The following is an entry in ClinVar:

NM_001080512.3(BICC1):c.637A>G (p.Ile213Val)

Gene: BICC1 (BicC family RNA binding protein 1; plus strand). Cytogenetic location: 10q21.1.
Variant type: single nucleotide variant.
Coding change: c.637A>G on transcript NM_001080512.3 (MANE Select); coding-DNA position 637, A replaced by G.
Protein change: p.Ile213Val; replaces isoleucine 213 with valine.
Molecular consequence: missense variant.
Genome position (GRCh38, 1-based): chr10:58,789,298, A>G. VCF-style: chr10-58789298-A-G. GRCh37 (hg19) VCF-style: chr10-60549058-A-G.
Other names: c.637A>G (NM_001080512.2); short protein forms I213V.
Identifiers: ClinVar variation 1206085 (VCV001206085.12), dbSNP rs550455235, ClinGen allele CA5508299.

ClinVar aggregate classification (germline): Benign. Review status: criteria provided, multiple submitters, no conflicts (2 of 4 stars). 5 submissions from 5 submitters: Benign (3). 2 of the submissions do not count toward it. Last evaluated 2025-12-18.

Conditions:
BICC1-related disorder. Also called: BICC1-related condition.

Allele frequency attached by ClinVar (database versions not stated): gnomAD 0.00005 and 0.00056; TOPMed 0.00014; gnomAD exomes 0.00122 and 0.00251; ExAC 0.00265; 1000 Genomes Project 0.00339; 1000 Genomes Project 30x 0.00344.
gnomAD v4.1: 1,885 of 1,613,908 alleles (0.12%); highest among the groups gnomAD compares: South Asian, 1.9%; 42 homozygotes.

Submissions (5):

Labcorp Genetics (formerly Invitae), Labcorp
Classification: Benign. Last evaluated: 2025-12-18. Review status: criteria provided, single submitter. Criteria: Invitae Variant Classification Sherloc (09022015). Collection method: clinical testing. Allele origin: germline.

PreventionGenetics, part of Exact Sciences
Classification: Benign for BICC1-related condition. Last evaluated: 2024-11-08. Review status: criteria provided, single submitter. Criteria: ACMG Guidelines, 2015. Collection method: clinical testing. Allele origin: germline.
Comment: This variant is classified as benign based on ACMG/AMP sequence variant interpretation guidelines (Richards et al. 2015 PMID: 25741868, with internal and published modifications).

Breakthrough Genomics
Classification: Benign. Review status: criteria provided, single submitter. Criteria: ACMG Guidelines, 2015. Collection method: not provided. Allele origin: germline. Inheritance: Autosomal dominant inheritance. Affected: yes.

Genome Diagnostics Laboratory, University Medical Center Utrecht
Classification: Likely benign. Review status: no assertion criteria provided. Collection method: clinical testing. Allele origin: germline. Affected: yes. Study: VKGL Data-share Consensus. Not counted in ClinVar's aggregate classification.

Laboratory of Diagnostic Genome Analysis, Leiden University Medical Center (LUMC)
Classification: Likely benign. Review status: no assertion criteria provided. Collection method: clinical testing. Allele origin: germline. Affected: yes. Study: VKGL Data-share Consensus. Not counted in ClinVar's aggregate classification.